The following is an entry in ClinVar:

NM_002693.3(POLG):c.926G>A (p.Arg309His)

Gene: POLG (DNA polymerase gamma, catalytic subunit; minus strand). Cytogenetic location: 15q26.1.
Variant type: single nucleotide variant.
Coding change: c.926G>A on transcript NM_002693.3 (MANE Select); coding-DNA position 926, G replaced by A.
Protein change: p.Arg309His; replaces arginine 309 with histidine.
Molecular consequence: missense variant.
Genome position (GRCh38, 1-based): chr15:89,329,040, C>T on the plus strand (G>A on the coding strand, the complement: POLG is on the minus strand). VCF-style: chr15-89329040-C-T. GRCh37 (hg19) VCF-style: chr15-89872271-C-T.
Other names: c.926G>A, p.Arg309His (NM_001126131.2); short protein forms R309H.
Identifiers: ClinVar variation 381521 (VCV000381521.63), dbSNP rs780953863, ClinGen allele CA7724998.

ClinVar aggregate classification (germline): Pathogenic. Review status: criteria provided, multiple submitters, no conflicts (2 of 4 stars). 10 submissions from 10 submitters: Pathogenic (8). 2 of the submissions do not count toward it. Last evaluated 2024-10-23.

Conditions:
POLG-related disorder. Also called: POLG-Related Spectrum Disorders; POLG-related condition; POLG-Related Disorders. Identifiers: MedGen C4763519.
Progressive sclerosing poliodystrophy (MTDPS4A). Also called: Mitochondrial DNA depletion syndrome 4A (Alpers type); Alpers-Huttenlocher Syndrome (AHS); Alpers Syndrome; ALPERS DIFFUSE DEGENERATION OF CEREBRAL GRAY MATTER WITH HEPATIC CIRRHOSIS; Alpers-Huttenlocher Syndrome; Mitochondrial DNA Depletion Syndrome 4A. Identifiers: Orphanet 726, MedGen C0205710, MONDO:0008758, OMIM 203700.
Tip-toe gait. Also called: Toe walking. Identifiers: MedGen C0427144, HP:0030051.

Allele frequency attached by ClinVar (database versions not stated): gnomAD 0.00001; TOPMed 0.00001; gnomAD exomes 0.00002; ExAC 0.00003.
gnomAD v4.1: 14 of 1,613,102 alleles (0.00087%); highest among the groups gnomAD compares: African/African-American, 0.0013%; no homozygotes.

Submissions (10):

GeneDx
Classification: Pathogenic. Last evaluated: 2024-10-23. Review status: criteria provided, single submitter. Criteria: GeneDx Variant Classification Process June 2021. Collection method: clinical testing. Allele origin: germline. Affected: yes.
Comment: Published functional studies demonstrate a damaging effect resulting in mtDNA instability (PMID: 20601675); In silico analysis supports that this missense variant has a deleterious effect on protein structure/function; Not observed at significant frequency in large population cohorts (gnomAD); This variant is associated with the following publications: (PMID: 30029678, 32169601, 36658419, 30843307, 37091313, 20601675, 27475922, 16621917, 28130605)

CeGaT Center for Human Genetics Tuebingen
Classification: Pathogenic. Last evaluated: 2024-10-01. Review status: criteria provided, single submitter. Criteria: CeGaT Center For Human Genetics Tuebingen Variant Classification Criteria Version 2. Collection method: clinical testing. Allele origin: germline. Affected: yes. Observed: 4 variant alleles.
Comment: POLG: PM3:Very Strong, PM1, PM2, PM5

Revvity Omics, Revvity
Classification: Pathogenic. Last evaluated: 2024-09-30. Review status: criteria provided, single submitter. Criteria: ACMG Guidelines, 2015. Collection method: clinical testing. Allele origin: germline.

Blueprint Genetics
Classification: Pathogenic for POLG-related disorders. Last evaluated: 2024-07-19. Review status: criteria provided, single submitter. Criteria: ACMG Guidelines, 2015. Collection method: clinical testing. Allele origin: germline. Affected: yes. Observed: 2 variant alleles.

Baylor Genetics
Classification: Pathogenic for Progressive sclerosing poliodystrophy. Last evaluated: 2024-03-09. Review status: criteria provided, single submitter. Criteria: ACMG Guidelines, 2015. Collection method: clinical testing. Allele origin: unknown.

Institute of Human Genetics Munich, TUM University Hospital
Classification: Pathogenic for Progressive sclerosing poliodystrophy. Last evaluated: 2024-02-26. Review status: criteria provided, single submitter. Criteria: Classification criteria August 2017. Collection method: clinical testing. Allele origin: paternal. Inheritance: Autosomal recessive inheritance. Affected: yes. Observed: 1 variant allele.

Labcorp Genetics (formerly Invitae), Labcorp
Classification: Pathogenic for Progressive sclerosing poliodystrophy. Last evaluated: 2023-10-22. Review status: criteria provided, single submitter. Criteria: Invitae Variant Classification Sherloc (09022015). Collection method: clinical testing. Allele origin: germline.
Comment: This sequence change replaces arginine, which is basic and polar, with histidine, which is basic and polar, at codon 309 of the POLG protein (p.Arg309His). This variant is present in population databases (rs780953863, gnomAD 0.01%). This missense change has been observed in individual(s) with clinical features of autosomal recessive POLG-related disease (PMID: 16621917, 30843307). In at least one individual the data is consistent with being in trans (on the opposite chromosome) from a pathogenic variant. ClinVar contains an entry for this variant (Variation ID: 381521). Advanced modeling of protein sequence and biophysical properties (such as structural, functional, and spatial information, amino acid conservation, physicochemical variation, residue mobility, and thermodynamic stability) performed at Invitae indicates that this missense variant is expected to disrupt POLG protein function. Experimental studies have shown that this missense change affects POLG function (PMID: 20601675). This variant disrupts the p.Arg309 amino acid residue in POLG. Other variant(s) that disrupt this residue have been determined to be pathogenic (PMID: 26077851, 26169155). This suggests that this residue is clinically significant, and that variants that disrupt this residue are likely to be disease-causing. For these reasons, this variant has been classified as Pathogenic.

Institute of Medical Genetics and Applied Genomics, University Hospital Tübingen
Classification: Pathogenic. Last evaluated: 2020-10-23. Review status: criteria provided, single submitter. Criteria: ACMG Guidelines, 2015. Collection method: clinical testing. Allele origin: germline. Inheritance: Autosomal unknown. Affected: yes.

Inherited Neuropathy Consortium
Classification: Uncertain significance. Review status: no assertion criteria provided. Collection method: provider interpretation. Allele origin: inherited. Affected: yes. Not counted in ClinVar's aggregate classification.

Practice for Gait Abnormalities, David Pomarino, Competency Network Toe Walking C/o Practice Pomarino
Classification: Likely pathogenic for Tip-toe gait. Last evaluated: 2020-11-16. Review status: flagged submission. Collection method: clinical testing. Allele origin: germline. Affected: yes. Not counted in ClinVar's aggregate classification.
Comment: Hereditary motor sensory neuropathy (HMSN), also known as Charcot-Marie-Tooth Disease (CMT), is the most commonly inherited peripheral polyneuropathy. It constitutes a group of inherited, progressive, motor and sensory peripheral nerve disorders with properties of demyelination, axonal degeneration, or both. It is classified by clinical characteristics, modes of inheritance, electrophysiologic features, metabolic defects, and specific gene markers. Our patients all walk on tiptoe, so they show similar symptoms. When we genetically test them with our toe walking panel, we find that around 90 per cent of them have a genetic variant that explains their toe walking. These can be assigned, for example, to the area of myopathies (such as variants of the COL6A3 gene), the area of hereditary neuropathies (such as variants of the KMT2C gene) or the area of metabolic diseases (such as variants of the PYGM gene). In a smaller group of patients with almost identical symptoms, no abnormality is found in the genes of our panel, but spastic paraplegia can be detected. In another small group of our toe walkers, no abnormalities can be detected in the genes analysed in our toe walking panel, nor do they suffer from spastic paraplegia, as is also the case with healthy children. In contrast to these, however, they show a tiptoe gait. These patients suffer from infantile cerebral palsy, in which toe walking can also be observed.
ClinVar note: Notes: This gene has insufficient supporting evidence for isolated Tip-Toe Gait.
ClinVar note: Reason: Claim with insufficient supporting evidence

Literature cited by the submitters: PubMed 16621917 (cited by Labcorp Genetics (formerly Invitae), Labcorp); PubMed 30843307 (cited by Labcorp Genetics (formerly Invitae), Labcorp); PubMed 20601675 (cited by Labcorp Genetics (formerly Invitae), Labcorp); PubMed 26077851 (cited by Labcorp Genetics (formerly Invitae), Labcorp); PubMed 26169155 (cited by Labcorp Genetics (formerly Invitae), Labcorp); PubMed 37091313 (cited by Practice for Gait Abnormalities, David Pomarino, Competency Network Toe Walking C/o Practice Pomarino).